The following is an entry in ClinVar:

ClinVar aggregate classification (germline): Pathogenic/Likely pathogenic. Review status: criteria provided, multiple submitters, no conflicts (2 of 4 stars). 4 submissions from 4 submitters: Pathogenic (1); Likely pathogenic (2). 1 of the submissions does not count toward it. Last evaluated 2025-10-27.

Conditions:
Niemann-Pick disease, type C (NPC). Identifiers: Orphanet 646, MedGen C0220756, MONDO:0018982.
Niemann-Pick disease, type C1. Also called: NEUROVISCERAL STORAGE DISEASE WITH VERTICAL SUPRANUCLEAR OPHTHALMOPLEGIA; NIEMANN-PICK DISEASE WITH CHOLESTEROL ESTERIFICATION BLOCK; NIEMANN-PICK DISEASE WITHOUT SPHINGOMYELINASE DEFICIENCY; NIEMANN-PICK DISEASE, CHRONIC NEURONOPATHIC FORM; NIEMANN-PICK DISEASE, VARIANT TYPE C1. Identifiers: Orphanet 646, MedGen C3179455, MONDO:0009757, OMIM 257220.

Allele frequency attached by ClinVar (database versions not stated): gnomAD 0.00001 and 0.00002; gnomAD exomes 0.00001; TOPMed 0.00001.
gnomAD v4.1: 5 of 1,542,326 alleles (0.00032%); highest among the groups gnomAD compares: African/African-American, 0.0057%; no homozygotes.

Submissions (4):

Labcorp Genetics (formerly Invitae), Labcorp
Classification: Pathogenic for Niemann-Pick disease, type C1. Last evaluated: 2025-10-27. Review status: criteria provided, single submitter. Criteria: Invitae Variant Classification Sherloc (09022015). Collection method: clinical testing. Allele origin: germline.
Comment: This sequence change replaces tyrosine, which is neutral and polar, with cysteine, which is neutral and slightly polar, at codon 634 of the NPC1 protein (p.Tyr634Cys). This variant is present in population databases (rs202140203, gnomAD 0.007%). This missense change has been observed in individual(s) with Niemann-Pick disease type C (PMID: 19252935, 32138288). In at least one individual the data is consistent with being in trans (on the opposite chromosome) from a pathogenic variant. ClinVar contains an entry for this variant (Variation ID: 553800). Invitae Evidence Modeling of protein sequence and biophysical properties (such as structural, functional, and spatial information, amino acid conservation, physicochemical variation, residue mobility, and thermodynamic stability) indicates that this missense variant is expected to disrupt NPC1 protein function with a positive predictive value of 95%. Experimental studies have shown that this missense change affects NPC1 function (PMID: 10419504, 24891511). For these reasons, this variant has been classified as Pathogenic.

Natera, Inc.
Classification: Likely pathogenic for Niemann-Pick disease type C1. Last evaluated: 2025-01-29. Review status: criteria provided, single submitter. Criteria: Natera Variant Classification Schema (03/2026). Collection method: clinical testing. Allele origin: germline.
Comment: The c.1901A>G variant in NPC1 is a missense variant predicted to cause substitution of tyrosine to cysteine at amino acid 634. This variant is rare in the general population with a frequency below the threshold expected for the associated phenotype(s). This variant has been observed in one or more individuals affected with the associated recessive disease, as either homozygous or compound heterozygous with a second variant (PMID: 19252935). Functional studies show that this variant may disrupt protein function (PMID: 10419504). Computational prediction algorithms indicate this variant is likely to affect gene or protein function. Given the available evidence, this variant is classified as Likely Pathogenic.

Women's Health and Genetics/Laboratory Corporation of America, LabCorp
Classification: Likely pathogenic for Niemann-Pick disease, type C. Last evaluated: 2022-10-05. Review status: criteria provided, single submitter. Criteria: LabCorp Variant Classification Summary - May 2015. Collection method: clinical testing. Allele origin: germline.
Comment: Variant summary: NPC1 c.1901A>G (p.Tyr634Cys) results in a non-conservative amino acid change located in the Sterol-sensing domain (IPR000731) of the encoded protein sequence. Five of five in-silico tools predict a damaging effect of the variant on protein function. The variant allele was found at a frequency of 1.2e-05 in 251366 control chromosomes (gnomAD). c.1901A>G has been reported in at-least one individual affected with Severe Infantile Niemann-Pick Disease Type C (examples: Fancello_2009 and Dardis_2020). Multiple publications have reported experimental evidence that this variant causes a defect in cholesterol trafficking (examples: Watari_1999 and Erwood_2019). Two clinical diagnostic laboratories have submitted clinical-significance assessments for this variant to ClinVar after 2014 and classified the variant as pathogenic and as uncertain significance. Based on the evidence outlined above, the variant was classified as likely pathogenic.

Counsyl
Classification: Uncertain significance for Niemann-Pick disease, type C1. Last evaluated: 2017-09-07. Review status: no assertion criteria provided. Collection method: clinical testing. Allele origin: unknown. Not counted in ClinVar's aggregate classification.

Literature cited by the submitters: PubMed 19252935 (cited by 4 submitters); PubMed 32138288 (cited by Labcorp Genetics (formerly Invitae), Labcorp and Women's Health and Genetics/Laboratory Corporation of America, LabCorp); PubMed 10419504 (cited by 4 submitters); PubMed 24891511 (cited by 3 submitters); PubMed 28193631 (cited by Women's Health and Genetics/Laboratory Corporation of America, LabCorp and Counsyl); PubMed 31754021 (cited by Women's Health and Genetics/Laboratory Corporation of America, LabCorp).

NM_000271.5(NPC1):c.1901A>G (p.Tyr634Cys)

Gene: NPC1 (NPC intracellular cholesterol transporter 1; minus strand). Cytogenetic location: 18q11.2.
Variant type: single nucleotide variant.
Coding change: c.1901A>G on transcript NM_000271.5 (MANE Select); coding-DNA position 1901, A replaced by G.
Protein change: p.Tyr634Cys; replaces tyrosine 634 with cysteine.
Molecular consequence: missense variant.
Genome position (GRCh38, 1-based): chr18:23,545,006, T>C on the plus strand (A>G on the coding strand, the complement: NPC1 is on the minus strand). VCF-style: chr18-23545006-T-C. GRCh37 (hg19) VCF-style: chr18-21124970-T-C.
Other names: short protein forms Y634C.
Identifiers: ClinVar variation 553800 (VCV000553800.11), dbSNP rs202140203, ClinGen allele CA297060739.